The following is an entry in ClinVar:

ClinVar aggregate classification (germline): Uncertain significance (1 of 4 stars; one submission).

Conditions:
TBX3-related disorder. Also called: TBX3-related condition.

Allele frequency attached by ClinVar (database versions not stated): gnomAD exomes below 0.00001.
gnomAD v4.1: 4 of 1,568,436 alleles (0.00026%); highest among the groups gnomAD compares: Middle Eastern, 0.017%; no homozygotes.

Submission:

PreventionGenetics, part of Exact Sciences
Classification: Uncertain significance for TBX3-related condition. Last evaluated: 2025-07-08. Review status: criteria provided, single submitter. Criteria: ACMG Guidelines, 2015. Collection method: clinical testing. Allele origin: germline.
Comment: The TBX3 c.1969A>G variant is predicted to result in the amino acid substitution p.Thr657Ala. To our knowledge, this variant has not been reported in the literature or in a large population database (gnomAD), indicating this variant is rare. At this time, the clinical significance of this variant is uncertain due to the absence of conclusive functional and genetic evidence.

NM_005996.4(TBX3):c.1909A>G (p.Thr637Ala)

Gene: TBX3 (T-box transcription factor 3; minus strand). Cytogenetic location: 12q24.21.
Variant type: single nucleotide variant.
Coding change: c.1909A>G on transcript NM_005996.4 (MANE Select); coding-DNA position 1909, A replaced by G.
Protein change: p.Thr637Ala; replaces threonine 637 with alanine.
Molecular consequence: missense variant.
Genome position (GRCh38, 1-based): chr12:114,672,104, T>C on the plus strand (A>G on the coding strand, the complement: TBX3 is on the minus strand). VCF-style: chr12-114672104-T-C. GRCh37 (hg19) VCF-style: chr12-115109909-T-C.
Other names: c.1969A>G, p.Thr657Ala (NM_016569.4); short protein forms T637A, T657A.
Identifiers: ClinVar variation 3051910 (VCV003051910.3), dbSNP rs1868466962, ClinGen allele CA386867936.